The following is an entry in ClinVar:

ClinVar aggregate classification (germline): Uncertain significance. Review status: criteria provided, single submitter (1 of 4 stars). 2 submissions from 2 submitters: Uncertain significance (1). 1 of the submissions does not count toward it. Last evaluated 2016-06-11.

Conditions:
Nemaline myopathy 2 (NEM2). Also called: Nemaline myopathy 2, autosomal recessive. Identifiers: MedGen C1850569, MONDO:0009725, OMIM 256030.

Submissions (2):

Labcorp Genetics (formerly Invitae), Labcorp
Classification: Uncertain significance for Nemaline myopathy 2. Last evaluated: 2016-06-11. Review status: criteria provided, single submitter. Criteria: Invitae Variant Classification Sherloc (09022015). Collection method: clinical testing. Allele origin: germline.
Comment: This sequence change replaces asparagine with serine at codon 4421 of the NEB protein (p.Asn4421Ser). The asparagine residue is weakly conserved and there is a small physicochemical difference between asparagine and serine. This variant occurs in a region of NEB (Exons 82-105) consisting of three highly homologous 8-exon repeat units (exons 82-89, exons 90-97, exons 98-105). Sequence variants in this region can be detected, but this assay cannot determine which of the three repeat units is affected, and zygosity is often ambiguous. All variants in this region are reported relative to the exon 82-89 repeat. This variant is not present in population databases (ExAC no frequency) and has not been reported in the literature in individuals with a NEB-related disease. However, it occurs in the triplicated region of NEB and the frequency data is considered unreliable. Algorithms developed to predict the effect of missense changes on protein structure and function (Align-GVGD: C0, SIFT: Tolerated) suggest that this variant is likely to be tolerated, but these predictions have not been confirmed by published functional studies. In summary, this variant is a novel missense change that is not predicted to affect protein function. Missense variants in the NEB gene are typically not pathogenic, and there is no indication that this variant causes disease. However, the available evidence is currently insufficient to prove that conclusively. Therefore, it has been classified as a Variant of Uncertain Significance.

Natera, Inc.
Classification: Uncertain significance for Nemaline myopathy type 2. Last evaluated: 2020-01-24. Review status: no assertion criteria provided. Collection method: clinical testing. Allele origin: germline. Not counted in ClinVar's aggregate classification.

NM_001164508.2(NEB):c.12662A>G (p.Asn4221Ser)

Gene: NEB (nebulin; minus strand). Cytogenetic location: 2q23.3.
Variant type: single nucleotide variant.
Coding change: c.12662A>G on transcript NM_001164508.2 (MANE Select); coding-DNA position 12662, A replaced by G.
Protein change: p.Asn4221Ser; replaces asparagine 4221 with serine.
Molecular consequence: missense variant. On other transcripts: intron variant (1).
Genome position (GRCh38, 1-based): chr2:151,606,691, T>C on the plus strand (A>G on the coding strand, the complement: NEB is on the minus strand). VCF-style: chr2-151606691-T-C. GRCh37 (hg19) VCF-style: chr2-152463205-T-C.
Other names: c.12662A>G, p.Asn4221Ser (NM_001164507.2, NM_001271208.2); c.11601+3118A>G (NM_004543.5); short protein forms N4221S.
Identifiers: ClinVar variation 465461 (VCV000465461.3), dbSNP rs1553875590, ClinGen allele CA348774541.